The following is an entry in ClinVar:

ClinVar aggregate classification (germline): Uncertain significance (1 of 4 stars; one submission).

Conditions:
Hereditary cancer-predisposing syndrome. Also called: Neoplastic Syndromes, Hereditary; Tumor predisposition; Hereditary Cancer Syndrome; Hereditary neoplastic syndrome. Identifiers: Orphanet 140162, MedGen C0027672, MeSH D009386, MONDO:0015356.

Submission:

Labcorp Genetics (formerly Invitae), Labcorp
Classification: Uncertain significance for Hereditary cancer-predisposing syndrome. Last evaluated: 2022-12-10. Review status: criteria provided, single submitter. Criteria: Invitae Variant Classification Sherloc (09022015). Collection method: clinical testing. Allele origin: germline.
Comment: In summary, the available evidence is currently insufficient to determine the role of this variant in disease. Therefore, it has been classified as a Variant of Uncertain Significance. Advanced modeling of protein sequence and biophysical properties (such as structural, functional, and spatial information, amino acid conservation, physicochemical variation, residue mobility, and thermodynamic stability) performed at Invitae indicates that this missense variant is not expected to disrupt RAD50 protein function. This variant has not been reported in the literature in individuals affected with RAD50-related conditions. This variant is not present in population databases (gnomAD no frequency). This sequence change replaces asparagine, which is neutral and polar, with serine, which is neutral and polar, at codon 963 of the RAD50 protein (p.Asn963Ser).

NM_005732.4(RAD50):c.2888A>G (p.Asn963Ser)

Gene: RAD50 (RAD50 double strand break repair protein; plus strand). Cytogenetic location: 5q31.1.
Variant type: single nucleotide variant.
Coding change: c.2888A>G on transcript NM_005732.4 (MANE Select); coding-DNA position 2888, A replaced by G.
Protein change: p.Asn963Ser; replaces asparagine 963 with serine.
Molecular consequence: missense variant.
Genome position (GRCh38, 1-based): chr5:132,609,175, A>G. VCF-style: chr5-132609175-A-G. GRCh37 (hg19) VCF-style: chr5-131944867-A-G.
Other names: short protein forms N963S.
Identifiers: ClinVar variation 2819817 (VCV002819817.3), dbSNP rs2479371104, ClinGen allele CA360959790.
Genomic context (GRCh38, chr5:132,609,175, plus strand): 5'-AGCTGAATGATATTAAAGAGAAGGTTAAAAATATTCATGGCTATATGAAAGACATTGAGA[A>G]TTATATTCAAGATGGGAAAGACGACTATAAGAAGGTAATTTAAAACTTAAAATTATTTAT-3'
Protein context (NP_005723.2, residues 953-973): NIHGYMKDIE[Asn963Ser]YIQDGKDDYK